The following is an entry in ClinVar:

NM_001009925.2(TMEM230):c.353_354del (p.Asp117_Phe118insTer)

Gene: TMEM230 (transmembrane protein 230; minus strand). Cytogenetic location: 20p12.3.
Variant type: Deletion.
Coding change: c.353_354del on transcript NM_001009925.2 (MANE Select); coding-DNA positions 353 to 354, 2 bases deleted (TT; older notation c.353_354delTT).
Protein change: p.Asp117_Phe118insTer.
Molecular consequence: nonsense. On other transcripts: intron variant (1).
Genome position (GRCh38, 1-based): chr20:5,100,800-5,100,801, AA deleted on the plus strand (TT on the coding strand, the reverse complement: TMEM230 is on the minus strand); deleting any 2 consecutive bases within chr20:5,100,800-5,100,802 gives the same sequence; the c. name uses the placement nearest the transcript's 3' end. VCF-style (leftmost placement, unchanged base first): chr20-5100799-CAA-C. GRCh37 (hg19) VCF-style: chr20-5081445-CAA-C.
Other names: c.353_354del, p.Asp117_Phe118insTer (NM_001009924.2, NM_001330984.2, NM_001330985.2 and 3 more transcripts); c.222+5387_222+5388del (NM_001330987.2).
Identifiers: ClinVar variation 3653934 (VCV003653934.2).

ClinVar aggregate classification (germline): Uncertain significance (1 of 4 stars; one submission).

Submission:

Labcorp Genetics (formerly Invitae), Labcorp
Classification: Uncertain significance. Last evaluated: 2024-06-16. Review status: criteria provided, single submitter. Criteria: Invitae Variant Classification Sherloc (09022015). Collection method: clinical testing. Allele origin: germline.
Comment: This sequence change creates a premature translational stop signal (p.Phe181*) in the TMEM230 gene. While this is not anticipated to result in nonsense mediated decay, it is expected to disrupt the last 3 amino acid(s) of the TMEM230 protein. This variant is not present in population databases (gnomAD no frequency). This variant has not been reported in the literature in individuals affected with TMEM230-related conditions. Experimental studies and prediction algorithms are not available or were not evaluated, and the functional significance of this variant is currently unknown. In summary, the available evidence is currently insufficient to determine the role of this variant in disease. Therefore, it has been classified as a Variant of Uncertain Significance.